The following is an entry in ClinVar:

ClinVar aggregate classification (germline): Uncertain significance (1 of 4 stars; one submission).

Conditions:
Joubert syndrome. Also called: Familial aplasia of the vermis; JOUBERT-BOLTSHAUSER SYNDROME. Identifiers: Orphanet 475, MedGen C5979921, MONDO:0018772.
Meckel-Gruber syndrome. Also called: Dysencephalia splachnocystica; DYSENCEPHALIA SPLANCHNOCYSTICA; GRUBER SYNDROME. Identifiers: Orphanet 564, MedGen C0265215, MONDO:0018921.

Allele frequency attached by ClinVar (database versions not stated): TOPMed 0.00001.

Submission:

Labcorp Genetics (formerly Invitae), Labcorp
Classification: Uncertain significance for Joubert syndrome; Meckel-Gruber syndrome. Last evaluated: 2022-07-19. Review status: criteria provided, single submitter. Criteria: Invitae Variant Classification Sherloc (09022015). Collection method: clinical testing. Allele origin: germline.
Comment: This sequence change replaces valine, which is neutral and non-polar, with leucine, which is neutral and non-polar, at codon 1099 of the CC2D2A protein (p.Val1099Leu). This variant is not present in population databases (gnomAD no frequency). This variant has not been reported in the literature in individuals affected with CC2D2A-related conditions. Advanced modeling of protein sequence and biophysical properties (such as structural, functional, and spatial information, amino acid conservation, physicochemical variation, residue mobility, and thermodynamic stability) performed at Invitae indicates that this missense variant is expected to disrupt CC2D2A protein function. Algorithms developed to predict the effect of sequence changes on RNA splicing suggest that this variant may create or strengthen a splice site. In summary, the available evidence is currently insufficient to determine the role of this variant in disease. Therefore, it has been classified as a Variant of Uncertain Significance.

NM_001378615.1(CC2D2A):c.3295G>T (p.Val1099Leu)

Genes: CC2D2A (coiled-coil and C2 domain containing 2A; plus strand), FBXL5 (F-box and leucine rich repeat protein 5; minus strand). Cytogenetic location: 4p15.32.
Variant type: single nucleotide variant.
Coding change: c.3295G>T on transcript NM_001378615.1 (MANE Select); coding-DNA position 3295, G replaced by T.
Protein change: p.Val1099Leu; replaces valine 1099 with leucine.
Molecular consequence: missense variant.
Genome position (GRCh38, 1-based): chr4:15,567,683, G>T. VCF-style: chr4-15567683-G-T. GRCh37 (hg19) VCF-style: chr4-15569306-G-T.
Other names: c.3295G>T, p.Val1099Leu (NM_001080522.2); c.3148G>T, p.Val1050Leu (NM_001378617.1); short protein forms V1050L, V1099L.
Identifiers: ClinVar variation 1982871 (VCV001982871.1), dbSNP rs1349492467, ClinGen allele CA356418573.
Genomic context (GRCh38, chr4:15,567,683, plus strand): 5'-AATAAAATAATTTGACTAACCATTGGGAACTCAGAATTTGCTCTTGATTTTAAGGTTTTA[G>T]TACGTCCCTTTGTAGAAGTCTCTTTTCAACGAACAGTTTGCCATACGACTACGGCTGAAG-3'
Protein context (NP_001365544.1, residues 1089-1109): NADYPLGQVL[Val1099Leu]RPFVEVSFQR